The following is an entry in ClinVar:

NM_002335.4(LRP5):c.56_61del (p.Leu19_Ala21delinsPro)

Gene: LRP5 (LDL receptor related protein 5; plus strand). Cytogenetic location: 11q13.2.
Variant type: Deletion.
Coding change: c.56_61del on transcript NM_002335.4 (MANE Select); coding-DNA positions 56 to 61, 6 bases deleted (TGCTGG; older notation c.56_61delTGCTGG).
Protein change: p.Leu19_Ala21delinsPro.
Molecular consequence: inframe indel. On other transcripts: 5 prime UTR variant (1).
Genome position (GRCh38, 1-based): chr11:68,312,770-68,312,775, TGCTGG deleted. VCF-style (leftmost placement, unchanged base first): chr11-68312769-CTGCTGG-C. GRCh37 (hg19) VCF-style: chr11-68080237-CTGCTGG-C.
Other names: c.-1710_-1705del (NM_001291902.2).
Identifiers: ClinVar variation 2090164 (VCV002090164.4), dbSNP rs2496191939, ClinGen allele CA2580084683.
Genomic context (GRCh38, chr11:68,312,769, plus strand): 5'-GACAACATGGAGGCAGCGCCGCCCGGGCCGCCGTGGCCGCTGCTGCTGCTGCTGCTGCTG[CTGCTGG>C]CGCTGTGCGGCTGCCCGGCCCCCGCCGCGGGTAGGTGGGCGCAGGCCGGCCGGGGGCCGC-3'

ClinVar aggregate classification (germline): Uncertain significance (1 of 4 stars; one submission).

Submission:

Labcorp Genetics (formerly Invitae), Labcorp
Classification: Uncertain significance. Last evaluated: 2022-01-27. Review status: criteria provided, single submitter. Criteria: Invitae Variant Classification Sherloc (09022015). Collection method: clinical testing. Allele origin: germline.
Comment: This variant, c.56_61del, is a complex sequence change that results in the deletion of 3 and insertion of 1 amino acid(s) in the LRP5 protein (p.Leu19_Ala21delinsPro). This variant is not present in population databases (gnomAD no frequency). This variant has not been reported in the literature in individuals affected with LRP5-related conditions. Experimental studies and prediction algorithms are not available or were not evaluated, and the functional significance of this variant is currently unknown. In summary, the available evidence is currently insufficient to determine the role of this variant in disease. Therefore, it has been classified as a Variant of Uncertain Significance.